The following is an entry in ClinVar:

ClinVar aggregate classification (germline): Uncertain significance (1 of 4 stars; one submission).

Allele frequency attached by ClinVar (database versions not stated): gnomAD 0.00001; gnomAD exomes 0.00001 and 0.00002.
gnomAD v4.1: 9 of 1,611,176 alleles (0.00056%); highest among the groups gnomAD compares: Admixed American, 0.0034%; no homozygotes.

Submission:

Labcorp Genetics (formerly Invitae), Labcorp
Classification: Uncertain significance. Last evaluated: 2025-04-08. Review status: criteria provided, single submitter. Criteria: Invitae Variant Classification Sherloc (09022015). Collection method: clinical testing. Allele origin: germline.
Comment: This sequence change replaces threonine, which is neutral and polar, with isoleucine, which is neutral and non-polar, at codon 314 of the TBX6 protein (p.Thr314Ile). This variant is present in population databases (no rsID available, gnomAD 0.003%). This variant has not been reported in the literature in individuals affected with TBX6-related conditions. ClinVar contains an entry for this variant (Variation ID: 1362510). Invitae Evidence Modeling of protein sequence and biophysical properties (such as structural, functional, and spatial information, amino acid conservation, physicochemical variation, residue mobility, and thermodynamic stability) indicates that this missense variant is not expected to disrupt TBX6 protein function with a negative predictive value of 80%. In summary, the available evidence is currently insufficient to determine the role of this variant in disease. Therefore, it has been classified as a Variant of Uncertain Significance.

NM_004608.4(TBX6):c.941C>T (p.Thr314Ile)

Gene: TBX6 (T-box transcription factor 6; minus strand). Cytogenetic location: 16p11.2.
Variant type: single nucleotide variant.
Coding change: c.941C>T on transcript NM_004608.4 (MANE Select); coding-DNA position 941, C replaced by T.
Protein change: p.Thr314Ile; replaces threonine 314 with isoleucine.
Molecular consequence: missense variant.
Genome position (GRCh38, 1-based): chr16:30,086,668, G>A on the plus strand (C>T on the coding strand, the complement: TBX6 is on the minus strand). VCF-style: chr16-30086668-G-A. GRCh37 (hg19) VCF-style: chr16-30097989-G-A.
Other names: short protein forms T314I.
Identifiers: ClinVar variation 1362510 (VCV001362510.6), dbSNP rs1351642608, ClinGen allele CA395514038.